The following is an entry in ClinVar:

NM_014989.7(RIMS1):c.1556C>T (p.Ser519Phe)

Gene: RIMS1 (regulating synaptic membrane exocytosis 1; plus strand). Cytogenetic location: 6q13.
Variant type: single nucleotide variant.
Coding change: c.1556C>T on transcript NM_014989.7 (MANE Select); coding-DNA position 1556, C replaced by T.
Protein change: p.Ser519Phe; replaces serine 519 with phenylalanine.
Molecular consequence: missense variant.
Genome position (GRCh38, 1-based): chr6:72,183,027, C>T. VCF-style: chr6-72183027-C-T. GRCh37 (hg19) VCF-style: chr6-72892730-C-T.
Other names: short protein forms S519F.
Identifiers: ClinVar variation 357841 (VCV000357841.14), dbSNP rs886061707, ClinGen allele CA10627486.

ClinVar aggregate classification (germline): Uncertain significance. Review status: criteria provided, multiple submitters, no conflicts (2 of 4 stars). 2 submissions from 2 submitters: Uncertain significance (2). Last evaluated 2023-06-21.

Conditions:
Cone-rod dystrophy 7 (CORD7). Identifiers: Orphanet 1872, MedGen C1863634, MONDO:0011355, OMIM 603649.

Allele frequency attached by ClinVar (database versions not stated): TOPMed 0.00002; gnomAD exomes 0.00001.
gnomAD v4.1: 7 of 1,601,100 alleles (0.00044%); highest among the groups gnomAD compares: Middle Eastern, 0.017%; no homozygotes.

Submissions (2):

Labcorp Genetics (formerly Invitae), Labcorp
Classification: Uncertain significance. Last evaluated: 2023-06-21. Review status: criteria provided, single submitter. Criteria: Invitae Variant Classification Sherloc (09022015). Collection method: clinical testing. Allele origin: germline.
Comment: In summary, the available evidence is currently insufficient to determine the role of this variant in disease. Therefore, it has been classified as a Variant of Uncertain Significance. An algorithm developed to predict the effect of missense changes on protein structure and function (PolyPhen-2) suggests that this variant is likely to be tolerated. ClinVar contains an entry for this variant (Variation ID: 357841). This variant has not been reported in the literature in individuals affected with RIMS1-related conditions. This variant is present in population databases (no rsID available, gnomAD 0.006%). This sequence change replaces serine, which is neutral and polar, with phenylalanine, which is neutral and non-polar, at codon 519 of the RIMS1 protein (p.Ser519Phe).

Illumina Laboratory Services, Illumina
Classification: Uncertain significance for Cone-rod dystrophy 7. Last evaluated: 2018-01-12. Review status: criteria provided, single submitter. Criteria: ICSL Variant Classification Criteria 13 December 2019. Collection method: clinical testing. Allele origin: germline.